The following is an entry in ClinVar:

ClinVar aggregate classification (germline): Likely benign. Review status: criteria provided, multiple submitters, no conflicts (2 of 4 stars). 2 submissions from 2 submitters: Likely benign (2). Last evaluated 2025-12-30.

Conditions:
Long QT syndrome (LQTS). Identifiers: MedGen C0023976, MeSH D008133, MONDO:0002442. Disease mechanism: loss of function. Inheritance: Various modes of inheritance.

Allele frequency attached by ClinVar (database versions not stated): gnomAD exomes below 0.00001.
gnomAD v4.1: 2 of 1,614,038 alleles (0.00012%); highest among the groups gnomAD compares: Non-Finnish European, 0.00017%; no homozygotes.

Submissions (2):

Labcorp Genetics (formerly Invitae), Labcorp
Classification: Likely benign for Long QT syndrome. Last evaluated: 2025-12-30. Review status: criteria provided, single submitter. Criteria: Invitae Variant Classification Sherloc (09022015). Collection method: clinical testing. Allele origin: germline.

All of Us Research Program, National Institutes of Health
Classification: Likely benign for Long QT syndrome. Last evaluated: 2023-05-16. Review status: criteria provided, single submitter. Criteria: ACMG Guidelines, 2015. Collection method: clinical testing. Allele origin: germline. Inheritance: Autosomal dominant inheritance. Observed: 1 variant allele, 1 heterozygote.
Comment: This study involves interpretation of variants in research participants for the purpose of population health screening. Participant phenotype was not available at the time of variant classification. Additional details can be found in publication PMID: 35346344, PMCID: PMC8962531

NM_000238.4(KCNH2):c.1233C>T (p.Asp411=)

Gene: KCNH2 (potassium voltage-gated channel subfamily H member 2; minus strand). Cytogenetic location: 7q36.1.
Variant type: single nucleotide variant.
Coding change: c.1233C>T on transcript NM_000238.4 (MANE Select); coding-DNA position 1233, C replaced by T.
Protein change: p.Asp411=; no amino-acid change (aspartic acid 411 retained).
Molecular consequence: synonymous variant. On other transcripts: non-coding transcript variant (2).
Genome position (GRCh38, 1-based): chr7:150,952,749, G>A on the plus strand (C>T on the coding strand, the complement: KCNH2 is on the minus strand). VCF-style: chr7-150952749-G-A. GRCh37 (hg19) VCF-style: chr7-150649837-G-A.
Other names: c.213C>T, p.Asp71= (NM_001204798.2, NM_172057.3); c.945C>T, p.Asp315= (NM_001406753.1, NM_001406756.1); c.1056C>T, p.Asp352= (NM_001406755.1); c.933C>T, p.Asp311= (NM_001406757.1); c.1233C>T, p.Asp411= (NM_172056.3).
Identifiers: ClinVar variation 3071057 (VCV003071057.3), dbSNP rs2486049796, ClinGen allele CA458645717.
Genomic context (GRCh38, chr7:150,952,749, plus strand): 5'-GAAGGCAGCCGAGTAGGGTGTGAAGACAGCCGTGTAGATGACCAGCAGCAGGATGAGCCA[G>A]TCCCACACGGCCTTGAAGGGGCTGTAATGCAGGATGGTCCAGCGGTGGATGCGCGGTGCC-3'
Protein context (NP_000229.1, residues 401-421): LHYSPFKAVW[Asp411=]WLILLLVIYT